The following is an entry in ClinVar:

NM_001289125.3(IFNAR2):c.1240A>T (p.Thr414Ser)

Genes: IFNAR2 (interferon alpha and beta receptor subunit 2; plus strand), IFNAR2-IL10RB (IFNAR2-IL10RB readthrough; plus strand). Cytogenetic location: 21q22.11.
Variant type: single nucleotide variant.
Coding change: c.1240A>T on transcript NM_001289125.3 (MANE Select); coding-DNA position 1240, A replaced by T.
Protein change: p.Thr414Ser; replaces threonine 414 with serine.
Molecular consequence: missense variant. On other transcripts: 3 prime UTR variant (5).
Genome position (GRCh38, 1-based): chr21:33,263,192, A>T. VCF-style: chr21-33263192-A-T. GRCh37 (hg19) VCF-style: chr21-34635497-A-T.
Other names: c.*476A>T (NM_000874.5, NM_207584.3); c.*389A>T (NM_001289126.2, NM_001289128.2); c.*615A>T (NM_001385054.1); c.1240A>T, p.Thr414Ser (NM_001385055.1, NM_207585.3); short protein forms T414S.
Identifiers: ClinVar variation 1398275 (VCV001398275.4), dbSNP rs56050449, ClinGen allele CA10005947.

ClinVar aggregate classification (germline): Uncertain significance (1 of 4 stars; one submission).

Allele frequency attached by ClinVar (database versions not stated): gnomAD 0.00008 and 0.00010; gnomAD exomes 0.00008 and 0.00011; ExAC 0.00011; TOPMed 0.00011.
gnomAD v4.1: 136 of 1,614,222 alleles (0.0084%); highest among the groups gnomAD compares: East Asian, 0.098%; no homozygotes.

Submission:

Labcorp Genetics (formerly Invitae), Labcorp
Classification: Uncertain significance. Last evaluated: 2023-12-18. Review status: criteria provided, single submitter. Criteria: Invitae Variant Classification Sherloc (09022015). Collection method: clinical testing. Allele origin: germline.
Comment: This sequence change replaces threonine, which is neutral and polar, with serine, which is neutral and polar, at codon 414 of the IFNAR2 protein (p.Thr414Ser). This variant is present in population databases (rs56050449, gnomAD 0.1%). This variant has not been reported in the literature in individuals affected with IFNAR2-related conditions. ClinVar contains an entry for this variant (Variation ID: 1398275). Algorithms developed to predict the effect of missense changes on protein structure and function output the following: SIFT: "Not Available"; PolyPhen-2: "Benign"; Align-GVGD: "Not Available". The serine amino acid residue is found in multiple mammalian species, which suggests that this missense change does not adversely affect protein function. In summary, the available evidence is currently insufficient to determine the role of this variant in disease. Therefore, it has been classified as a Variant of Uncertain Significance.